The following is an entry in ClinVar:

NM_152703.5(SAMD9L):c.3280A>G (p.Ile1094Val)

Gene: SAMD9L (sterile alpha motif domain containing 9 like; minus strand). Cytogenetic location: 7q21.2.
Variant type: single nucleotide variant.
Coding change: c.3280A>G on transcript NM_152703.5 (MANE Select); coding-DNA position 3280, A replaced by G.
Protein change: p.Ile1094Val; replaces isoleucine 1094 with valine.
Molecular consequence: missense variant.
Genome position (GRCh38, 1-based): chr7:93,132,692, T>C on the plus strand (A>G on the coding strand, the complement: SAMD9L is on the minus strand). VCF-style: chr7-93132692-T-C. GRCh37 (hg19) VCF-style: chr7-92762005-T-C.
Other names: c.3280A>G, p.Ile1094Val (NM_001303496.3, NM_001303497.3, NM_001303498.3 and 5 more transcripts); short protein forms I1094V.
Identifiers: ClinVar variation 5028939 (VCV005028939.1).

ClinVar aggregate classification (germline): Uncertain significance (1 of 4 stars; one submission).

Conditions:
Inborn genetic diseases. Identifiers: MedGen C0950123, MeSH D030342.

Submission:

Ambry Genetics
Classification: Uncertain significance for Inborn genetic diseases. Last evaluated: 2026-08-10. Review status: criteria provided, single submitter. Criteria: Ambry Variant Classification Scheme 2023. Collection method: clinical testing. Allele origin: germline.
Comment: The p.I1094V variant (also known as c.3280A>G), located in coding exon 1 of the SAMD9L gene, results from an A to G substitution at nucleotide position 3280. The isoleucine at codon 1094 is replaced by valine, an amino acid with highly similar properties. This amino acid position is conserved. In addition, this alteration is predicted to be tolerated by in silico analysis. Based on the available evidence, the clinical significance of this variant remains unclear.